The following is an entry in ClinVar:

ClinVar aggregate classification (germline): Likely benign. Review status: criteria provided, multiple submitters, no conflicts (2 of 4 stars). 2 submissions from 2 submitters: Likely benign (2). Last evaluated 2025-09-07.

Conditions:
Progressive familial heart block type IB (PFHB1B). Identifiers: Orphanet 871, MedGen C1970298, MONDO:0011474, OMIM 604559.

Allele frequency attached by ClinVar (database versions not stated): gnomAD 0.00005; TOPMed 0.00008; gnomAD exomes 0.00009; 1000 Genomes Project 30x 0.00016.
gnomAD v4.1: 26 of 1,535,294 alleles (0.0017%); highest among the groups gnomAD compares: Admixed American, 0.051%; no homozygotes.

Submissions (2):

Labcorp Genetics (formerly Invitae), Labcorp
Classification: Likely benign for Progressive familial heart block type IB. Last evaluated: 2025-09-07. Review status: criteria provided, single submitter. Criteria: Invitae Variant Classification Sherloc (09022015). Collection method: clinical testing. Allele origin: germline.

GeneDx
Classification: Likely benign. Last evaluated: 2017-06-16. Review status: criteria provided, single submitter. Criteria: GeneDx Variant Classification (06012015). Collection method: clinical testing. Allele origin: germline. Affected: yes.
Comment: This variant is considered likely benign or benign based on one or more of the following criteria: it is a conservative change, it occurs at a poorly conserved position in the protein, it is predicted to be benign by multiple in silico algorithms, and/or has population frequency not consistent with disease.

NM_017636.4(TRPM4):c.24+7G>A

Gene: TRPM4 (transient receptor potential cation channel subfamily M member 4; plus strand). Cytogenetic location: 19q13.33.
Variant type: single nucleotide variant.
Coding change: c.24+7G>A on transcript NM_017636.4 (MANE Select); 7 bases into the intron after coding-DNA position 24, G replaced by A.
Molecular consequence: intron variant.
Genome position (GRCh38, 1-based): chr19:49,157,897, G>A. VCF-style: chr19-49157897-G-A. GRCh37 (hg19) VCF-style: chr19-49661154-G-A.
Other names: c.24+7G>A (NM_001195227.2, NM_001321281.2); c.-1349+7G>A (NM_001321282.2); c.-143+7G>A (NM_001321283.2); c.-306+7G>A (NM_001321285.2).
Identifiers: ClinVar variation 518014 (VCV000518014.10), dbSNP rs960522960, ClinGen allele CA309424841.
Genomic context (GRCh38, chr19:49,157,897, plus strand): 5'-GCTGCAGGAGGTTGCGGCGGCCGCGGCAGCATGGTGGTGCCGGAGAAGGAGCAGGTGAGC[G>A]CCGGACCAGGGTCTGCGGGAGCGCGGAGCTGGGGACCTCGCCTCCAGGCTCCCAGAGAGG-3'